The following is an entry in ClinVar:

NM_020631.6(PLEKHG5):c.583G>A (p.Asp195Asn)

Gene: PLEKHG5 (pleckstrin homology and RhoGEF domain containing G5; minus strand). Cytogenetic location: 1p36.31.
Variant type: single nucleotide variant.
Coding change: c.583G>A on transcript NM_020631.6 (MANE Select); coding-DNA position 583, G replaced by A.
Protein change: p.Asp195Asn; replaces aspartic acid 195 with asparagine.
Molecular consequence: missense variant.
Genome position (GRCh38, 1-based): chr1:6,474,021, C>T on the plus strand (G>A on the coding strand, the complement: PLEKHG5 is on the minus strand). VCF-style: chr1-6474021-C-T. GRCh37 (hg19) VCF-style: chr1-6534081-C-T.
Other names: c.694G>A, p.Asp232Asn (NM_001042663.3, NM_001265592.2); c.583G>A, p.Asp195Asn (NM_001042664.2, NM_001042665.2, NM_001265594.3 and 1 more transcripts); c.790G>A, p.Asp264Asn (NM_001265593.2); c.583G>A (NM_020631.4); short protein forms D232N, D264N, D195N.
Identifiers: ClinVar variation 2139583 (VCV002139583.5), dbSNP rs1644679291, ClinGen allele CA338138348.

ClinVar aggregate classification (germline): Uncertain significance. Review status: criteria provided, multiple submitters, no conflicts (2 of 4 stars). 2 submissions from 2 submitters: Uncertain significance (2). Last evaluated 2022-09-13.

Conditions:
Neuronopathy, distal hereditary motor, autosomal recessive 4. Also called: NEUROPATHY, DISTAL HEREDITARY MOTOR, AUTOSOMAL RECESSIVE 4; Autosomal recessive lower motor neuron disease with childhood onset. Identifiers: Orphanet 206580, MedGen C1970211, MONDO:0012608, OMIM 611067.
Charcot-Marie-Tooth disease recessive intermediate C. Also called: CHARCOT-MARIE-TOOTH NEUROPATHY, RECESSIVE INTERMEDIATE C. Identifiers: Orphanet 369867, MedGen C3809309, MONDO:0014154, OMIM 615376.

Allele frequency attached by ClinVar (database versions not stated): gnomAD exomes below 0.00001; gnomAD 0.00001.
gnomAD v4.1: 4 of 1,337,154 alleles (0.0003%); highest among the groups gnomAD compares: African/African-American, 0.0015%; no homozygotes.

Submissions (2):

GeneDx
Classification: Uncertain significance. Last evaluated: 2022-09-13. Review status: criteria provided, single submitter. Criteria: GeneDx Variant Classification Process June 2021. Collection method: clinical testing. Allele origin: germline. Affected: yes.
Comment: Not observed at significant frequency in large population cohorts (gnomAD); In silico analysis supports that this missense variant does not alter protein structure/function; Has not been previously published as pathogenic or benign to our knowledge

Labcorp Genetics (formerly Invitae), Labcorp
Classification: Uncertain significance for Neuronopathy, distal hereditary motor, autosomal recessive 4; Charcot-Marie-Tooth disease recessive intermediate C. Last evaluated: 2022-07-15. Review status: criteria provided, single submitter. Criteria: Invitae Variant Classification Sherloc (09022015). Collection method: clinical testing. Allele origin: germline.
Comment: This variant has not been reported in the literature in individuals affected with PLEKHG5-related conditions. This sequence change replaces aspartic acid, which is acidic and polar, with asparagine, which is neutral and polar, at codon 195 of the PLEKHG5 protein (p.Asp195Asn). This variant is not present in population databases (gnomAD no frequency). Algorithms developed to predict the effect of missense changes on protein structure and function are either unavailable or do not agree on the potential impact of this missense change (SIFT: "Tolerated"; PolyPhen-2: "Possibly Damaging"; Align-GVGD: "Class C0"). In summary, the available evidence is currently insufficient to determine the role of this variant in disease. Therefore, it has been classified as a Variant of Uncertain Significance.